The following is an entry in ClinVar:

NM_005236.3(ERCC4):c.1303C>A (p.Leu435Ile)

Gene: ERCC4 (ERCC excision repair 4, endonuclease catalytic subunit; plus strand). Cytogenetic location: 16p13.12.
Variant type: single nucleotide variant.
Coding change: c.1303C>A on transcript NM_005236.3 (MANE Select); coding-DNA position 1303, C replaced by A.
Protein change: p.Leu435Ile; replaces leucine 435 with isoleucine.
Molecular consequence: missense variant.
Genome position (GRCh38, 1-based): chr16:13,935,235, C>A. VCF-style: chr16-13935235-C-A. GRCh37 (hg19) VCF-style: chr16-14029092-C-A.
Other names: short protein forms L435I.
Identifiers: ClinVar variation 3762487 (VCV003762487.2).
Genomic context (GRCh38, chr16:13,935,235, plus strand): 5'-CGAACATGTTCCCAGCTGAGAGACTATATCACTCTTGGAGCGGAGGCCTTCTTATTGAGG[C>A]TCTACAGGAAAACCTTTGAGAAGGATAGCAAAGCTGAAGAAGTCTGGATGAAATTTAGGA-3'
Protein context (NP_005227.1, residues 425-445): TLGAEAFLLR[Leu435Ile]YRKTFEKDSK

ClinVar aggregate classification (germline): Uncertain significance (1 of 4 stars; one submission).

Conditions:
Xeroderma pigmentosum, group F (XPF). Also called: XERODERMA PIGMENTOSUM, COMPLEMENTATION GROUP F; XERODERMA PIGMENTOSUM, TYPE F; Xeroderma pigmentosum, type 6; XERODERMA PIGMENTOSUM VI; XP, GROUP F; ERCC4-Related Xeroderma Pigmentosum. Identifiers: MedGen C0268140, MONDO:0010215, OMIM 278760.
Cockayne syndrome. Identifiers: Orphanet 191, MedGen C0009207, MONDO:0016006.
Fanconi anemia complementation group Q. Identifiers: Orphanet 84, MedGen C3808988, MONDO:0014108, OMIM 615272.

gnomAD v4.1: 1 of 1,613,962 alleles (0.000062%); highest among the groups gnomAD compares: Non-Finnish European, 0.000085%; no homozygotes.

Submission:

Labcorp Genetics (formerly Invitae), Labcorp
Classification: Uncertain significance for Fanconi anemia complementation group Q; Xeroderma pigmentosum, group F; Cockayne syndrome. Last evaluated: 2024-06-15. Review status: criteria provided, single submitter. Criteria: Invitae Variant Classification Sherloc (09022015). Collection method: clinical testing. Allele origin: germline.
Comment: This sequence change replaces leucine, which is neutral and non-polar, with isoleucine, which is neutral and non-polar, at codon 435 of the ERCC4 protein (p.Leu435Ile). This variant is not present in population databases (gnomAD no frequency). This variant has not been reported in the literature in individuals affected with ERCC4-related conditions. Advanced modeling of protein sequence and biophysical properties (such as structural, functional, and spatial information, amino acid conservation, physicochemical variation, residue mobility, and thermodynamic stability) performed at Invitae indicates that this missense variant is not expected to disrupt ERCC4 protein function with a negative predictive value of 80%. In summary, the available evidence is currently insufficient to determine the role of this variant in disease. Therefore, it has been classified as a Variant of Uncertain Significance.